The following is an entry in ClinVar:

ClinVar aggregate classification (germline): Pathogenic/Likely pathogenic. Review status: criteria provided, multiple submitters, no conflicts (2 of 4 stars). 14 submissions from 14 submitters: Pathogenic (10); Likely pathogenic (1). 3 of the submissions do not count toward it. Last evaluated 2025-10-13.

Conditions:
LPL-related disorder. Also called: LPL-related condition.
Cardiovascular phenotype. Identifiers: MedGen CN230736.
Hyperlipoproteinemia, type I. Also called: Hyperlipoproteinemia type 1; Hyperchylomicro-nemia familial; Familial chylomicronemia; Hyperlipemia idiopathic Burger-Grutz type; Familial hyperlipo-proteinemia type 1; Hyperlipemia essential familial. Identifiers: Orphanet 309015, Orphanet 444490, MedGen C0023817, MONDO:0009387, OMIM 238600. Disease mechanism: loss of function.
Hyperlipidemia, familial combined, LPL related (FCHL3). Also called: Hyperapobetalipoproteinemia. Identifiers: MedGen C0020474, MONDO:0007759, OMIM 144250, HP:0008158.

Allele frequency attached by ClinVar (database versions not stated): gnomAD 0.00001; gnomAD exomes 0.00001; ExAC 0.00002; TOPMed 0.00003.
gnomAD v4.1: 14 of 1,614,034 alleles (0.00087%); highest among the groups gnomAD compares: East Asian, 0.0022%; no homozygotes.

Submissions (14):

PreventionGenetics, part of Exact Sciences
Classification: Pathogenic for LPL-related condition. Last evaluated: 2025-10-13. Review status: criteria provided, single submitter. Criteria: ACMG Guidelines, 2015. Collection method: clinical testing. Allele origin: germline.
Comment: The LPL c.808C>T variant is predicted to result in the amino acid substitution p.Arg270Cys. This variant (aka Arg243Cys) has been reported in the compound heterozygous or homozygous states in individuals with familial chylomicronemia (Ma et al. 1994. PubMed ID: 7906986; Benlian et al. 1996. PubMed ID: 8778602; Teramoto et al. 2018. PubMed ID: 29153744). In vitro function studies indicated that the p.Arg270Cys variant resulted in catalytically defective LPL (Ma et al. 1994. PubMed ID: 7906986). Different amino acid changes at this position (p.Arg270Gly, p.Arg270His, and p.Arg270Leu) have also been reported in patients with disease (Ma et al. 1994. PubMed ID: 7906986; Table S1, D’Erasmo et al. 2019. PubMed ID: 31619059; Rodrigues et al. 2016. PubMed ID: 27055971). This variant is reported in 0.0065% of alleles in individuals of South Asian descent in gnomAD. This variant is interpreted as pathogenic.

Genomic Medicine Center of Excellence, King Faisal Specialist Hospital and Research Centre
Classification: Pathogenic for Hyperlipoproteinemia, type I. Last evaluated: 2025-09-10. Review status: criteria provided, single submitter. Criteria: ACMG Guidelines, 2015. Collection method: clinical testing. Allele origin: germline.

Natera, Inc.
Classification: Pathogenic for Lipoprotein lipase deficiency. Last evaluated: 2025-07-24. Review status: criteria provided, single submitter. Criteria: Natera Variant Classification Schema (03/2026). Collection method: clinical testing. Allele origin: germline.
Comment: The c.808C>T variant in LPL is a missense variant predicted to cause substitution of arginine to cysteine at amino acid 270. This variant is rare in the general population with a frequency below the threshold expected for the associated phenotype(s). This variant has been observed in one or more individuals affected with the associated recessive disease, as either homozygous or compound heterozygous with a second variant (PMID: 27055971, 29748148). A different variant at the same position has been determined to be Pathogenic or Likely Pathogenic. Computational prediction algorithms indicate this variant is likely to affect gene or protein function. Given the available evidence, this variant is classified as Pathogenic.

Labcorp Genetics (formerly Invitae), Labcorp
Classification: Pathogenic. Last evaluated: 2024-07-23. Review status: criteria provided, single submitter. Criteria: Invitae Variant Classification Sherloc (09022015). Collection method: clinical testing. Allele origin: germline.
Comment: This sequence change replaces arginine, which is basic and polar, with cysteine, which is neutral and slightly polar, at codon 270 of the LPL protein (p.Arg270Cys). This variant is present in population databases (rs118204077, gnomAD 0.006%). This missense change has been observed in individuals with clinical features of lipoprotein lipase deficiency (PMID: 7906986, 25966443, 29153744). This variant is also known as p.Arg243Cys. ClinVar contains an entry for this variant (Variation ID: 1548). Advanced modeling of protein sequence and biophysical properties (such as structural, functional, and spatial information, amino acid conservation, physicochemical variation, residue mobility, and thermodynamic stability) performed at Invitae indicates that this missense variant is expected to disrupt LPL protein function with a positive predictive value of 80%. This variant disrupts the p.Arg270 amino acid residue in LPL. Other variant(s) that disrupt this residue have been determined to be pathogenic (PMID: 1752947, 7906986, 25966443). This suggests that this residue is clinically significant, and that variants that disrupt this residue are likely to be disease-causing. For these reasons, this variant has been classified as Pathogenic.

Fulgent Genetics
Classification: Likely pathogenic for Hyperlipidemia, familial combined, LPL related; Hyperlipoproteinemia, type I. Last evaluated: 2024-04-12. Review status: criteria provided, single submitter. Criteria: ACMG Guidelines, 2015. Collection method: clinical testing. Allele origin: germline.

Molecular Diagnostic Laboratory for Inherited Cardiovascular Disease, Montreal Heart Institute
Classification: Pathogenic for Cardiovascular phenotype. Last evaluated: 2023-07-19. Review status: criteria provided, single submitter. Criteria: ACMG Guidelines, 2015. Collection method: clinical testing. Allele origin: germline. Affected: yes.

Revvity Omics, Revvity
Classification: Pathogenic. Last evaluated: 2022-08-09. Review status: criteria provided, single submitter. Criteria: ACMG Guidelines, 2015. Collection method: clinical testing. Allele origin: germline.

Dasa
Classification: Pathogenic for Hyperlipoproteinemia, type I. Last evaluated: 2022-01-05. Review status: criteria provided, single submitter. Criteria: ACMG Guidelines, 2015. Collection method: clinical testing. Allele origin: germline. Affected: yes. Observed: 1 variant allele.
Comment: The c.808C>T;p.(Arg270Cys) missense variant has been observed in affected individual(s) and ClinVar contains an entry for this variant (Clinvar ID: 1548; PMID: 29153744; 29748148; 9279761; 7906986) - PS4.The variant is present at low allele frequencies population databases (rs118204077– gnomAD 0.00006572%; ABraOM no frequency) - PM2_supporting. The p.(Arg270Cys) was detected in trans with a pathogenic variant (PMID: 29153744; 29748148; 7906986) - PM3. Pathogenic missense variant in this residue have been reported (Clinvar ID: 1530; PMID: 29748148) - PM5. Multiple lines of computational evidence support a deleterious effect on the gene or gene product - PP3. In summary, the currently available evidence indicates that the variant is pathogenic.

Blueprint Genetics
Classification: Pathogenic for LPL-related disorders. Last evaluated: 2021-07-27. Review status: criteria provided, single submitter. Criteria: ACMG Guidelines, 2015. Collection method: clinical testing. Allele origin: germline. Affected: yes. Observed: 1 variant allele.

Ambry Genetics
Classification: Pathogenic for Cardiovascular phenotype. Last evaluated: 2021-03-25. Review status: criteria provided, single submitter. Criteria: Ambry Variant Classification Scheme 2023. Collection method: clinical testing. Allele origin: germline.
Comment: The p.R270C pathogenic mutation (also known as c.808C>T and p.R243C), located in coding exon 6 of the LPL gene, results from a C to T substitution at nucleotide position 808. The arginine at codon 270 is replaced by cysteine, an amino acid with highly dissimilar properties. This alteration has been reported in subjects with features of lipoprotein lipase deficiency (LPL) and has been shown to have an impact on protein function (Gotoda T et al. J Clin Invest, 1991 12;88:1856-64; Rodrigues R et al. J Clin Lipidol Dec;10:394-409; Vidanapathirana DM et al. Glob Pediatr Health, 2017 Jun;4:2333794X17715839; Teramoto R et al. Atherosclerosis, 2018 02;269:272-278; Tada H et al. Clin Chim Acta, 2019 Jan;488:31-39). Other alterations affecting the same amino acid, p.R270H and p.R270G, have also been reported in association with LPL deficiency (Gotoda T et al. J Clin Invest, 1991 12;88:1856-64; Khovidhunkit W et al. J Clin Lipidol Nov;10:505-511.e1). Based on the supporting evidence, this alteration is interpreted as a disease-causing mutation.

Neuberg Centre For Genomic Medicine, NCGM
Classification: Pathogenic for Hyperlipoproteinemia, type I. Review status: criteria provided, single submitter. Criteria: ACMG Guidelines, 2015. Collection method: clinical testing. Allele origin: germline. Inheritance: Autosomal recessive inheritance. Affected: yes.
Comment: The LPL c.808C>T (p.Arg270Cys) variant has been reported in individuals affected with lipoprotein lipase deficiency (Rabacchi et al). This variant disrupts the p.Arg270 amino acid residue in LPL. Other variant(s) that disrupt this residue have been observed in individuals with LPL-related conditions (Gotoda et al., 1991), suggesting that it is a clinically significant residue. As a result, variants that disrupt this residue are likely to be causative of disease. This variant has been reported to the ClinVar database as Pathogenic. The p.Arg270Cys variant is novel (not in any individuals) in 1000 Genomes. The amino acid Arg at position 270 is changed to a Cys changing protein sequence and it might alter its composition and physico-chemical properties. The variant is predicted to be damaging by both SIFT and PolyPhen2. The residue is conserved across species. The amino acid change p.Arg270Cys in LPL is predicted as conserved by GERP++ and PhyloP across 100 vertebrates. For these reasons, this variant has been classified as Pathogenic.

OMIM
Classification: Pathogenic for LIPOPROTEIN LIPASE DEFICIENCY. Last evaluated: 1994-01-01. Review status: no assertion criteria provided. Collection method: literature only. Allele origin: germline. Not counted in ClinVar's aggregate classification.

Clinical Genetics, Academic Medical Center
Classification: Pathogenic. Review status: no assertion criteria provided. Collection method: clinical testing. Allele origin: germline. Affected: yes. Study: VKGL Data-share Consensus. Not counted in ClinVar's aggregate classification.

Diagnostic Laboratory, Department of Genetics, University Medical Center Groningen
Classification: Pathogenic. Review status: no assertion criteria provided. Collection method: clinical testing. Allele origin: germline. Affected: yes. Study: VKGL Data-share Consensus. Not counted in ClinVar's aggregate classification.

Literature cited by the submitters: PubMed 27055971 (cited by Natera, Inc. and Ambry Genetics); PubMed 29748148 (cited by Natera, Inc. and Dasa); PubMed 7906986 (cited by 4 submitters); PubMed 25966443 (cited by Labcorp Genetics (formerly Invitae), Labcorp and Ambry Genetics); PubMed 29153744 (cited by 3 submitters); PubMed 1752947 (cited by Labcorp Genetics (formerly Invitae), Labcorp and Ambry Genetics); PubMed 9279761 (cited by Dasa); PubMed 24291057 (cited by Ambry Genetics); PubMed 27206937 (cited by Ambry Genetics); PubMed 28695157 (cited by Ambry Genetics); PubMed 30389453 (cited by Ambry Genetics).

NM_000237.3(LPL):c.808C>T (p.Arg270Cys)

Gene: LPL (lipoprotein lipase; plus strand). Cytogenetic location: 8p21.3.
Variant type: single nucleotide variant.
Coding change: c.808C>T on transcript NM_000237.3 (MANE Select); coding-DNA position 808, C replaced by T.
Protein change: p.Arg270Cys; replaces arginine 270 with cysteine.
Molecular consequence: missense variant.
Genome position (GRCh38, 1-based): chr8:19,955,873, C>T. VCF-style: chr8-19955873-C-T. GRCh37 (hg19) VCF-style: chr8-19813384-C-T.
Other names: R243C; short protein forms R270C.
Identifiers: ClinVar variation 1548 (VCV000001548.28), dbSNP rs118204077, ClinGen allele CA251886.